The following is an entry in ClinVar:

NM_000017.4(ACADS):c.325T>C (p.Cys109Arg)

Gene: ACADS (acyl-CoA dehydrogenase short chain; plus strand). Cytogenetic location: 12q24.31.
Variant type: single nucleotide variant.
Coding change: c.325T>C on transcript NM_000017.4 (MANE Select); coding-DNA position 325, T replaced by C.
Protein change: p.Cys109Arg; replaces cysteine 109 with arginine.
Molecular consequence: missense variant.
Genome position (GRCh38, 1-based): chr12:120,737,100, T>C. VCF-style: chr12-120737100-T-C. GRCh37 (hg19) VCF-style: chr12-121174903-T-C.
Other names: p.Cys109Arg; c.325T>C, p.Cys109Arg (NM_001302554.2); short protein forms C109R.
Identifiers: ClinVar variation 3380123 (VCV003380123.1).

ClinVar aggregate classification (germline): Uncertain significance (1 of 4 stars; one submission).

Submission:

Mayo Clinic Laboratories, Mayo Clinic
Classification: Uncertain significance. Last evaluated: 2023-08-16. Review status: criteria provided, single submitter. Criteria: ACMG Guidelines, 2015. Collection method: clinical testing. Allele origin: germline. Observed: 1 variant allele.
Comment: PP3, PM2_moderate